The following is an entry in ClinVar:

NM_000089.4(COL1A2):c.2305G>A (p.Gly769Ser)

Gene: COL1A2 (collagen type I alpha 2 chain; plus strand). Cytogenetic location: 7q21.3.
Variant type: single nucleotide variant.
Coding change: c.2305G>A on transcript NM_000089.4 (MANE Select); coding-DNA position 2305, G replaced by A.
Protein change: p.Gly769Ser; replaces glycine 769 with serine.
Molecular consequence: missense variant.
Genome position (GRCh38, 1-based): chr7:94,421,018, G>A. VCF-style: chr7-94421018-G-A. GRCh37 (hg19) VCF-style: chr7-94050330-G-A.
Other names: short protein forms G769S.
Identifiers: ClinVar variation 2951624 (VCV002951624.3), dbSNP rs1792147522, ClinGen allele CA368223671.

ClinVar aggregate classification (germline): Pathogenic (1 of 4 stars; one submission).

Conditions:
Osteogenesis imperfecta type I (OI1). Also called: Lobstein disease; OI, TYPE I; OSTEOGENESIS IMPERFECTA TARDA; OSTEOGENESIS IMPERFECTA WITH BLUE SCLERAE; Osteogenesis imperfecta type 1; Lobstein's Disease. Identifiers: Orphanet 216796, Orphanet 666, MedGen C0023931, MONDO:0008146, OMIM 166200. Disease mechanism: loss of function.
Ehlers-Danlos syndrome, classic type, 1 (EDSCL1). Also called: EDS I; EHLERS-DANLOS SYNDROME, GRAVIS TYPE; EHLERS-DANLOS SYNDROME, SEVERE CLASSIC TYPE; Ehlers-Danlos syndrome, type 1; Ehlers-Danlos Syndrome, Classic Type, COL5A1-Related. Identifiers: MedGen C0268335, MONDO:0019567, OMIM 130000.

Submission:

Labcorp Genetics (formerly Invitae), Labcorp
Classification: Pathogenic for Osteogenesis imperfecta type I; Ehlers-Danlos syndrome, classic type, 1. Last evaluated: 2024-02-17. Review status: criteria provided, single submitter. Criteria: Invitae Variant Classification Sherloc (09022015). Collection method: clinical testing. Allele origin: germline.
Comment: This sequence change replaces glycine, which is neutral and non-polar, with serine, which is neutral and polar, at codon 769 of the COL1A2 protein (p.Gly769Ser). This variant is not present in population databases (gnomAD no frequency). This missense change has been observed in individual(s) with clinical features of autosomal dominant osteogenesis imperfecta (Invitae). Advanced modeling of protein sequence and biophysical properties (such as structural, functional, and spatial information, amino acid conservation, physicochemical variation, residue mobility, and thermodynamic stability) performed at Invitae indicates that this missense variant is expected to disrupt COL1A2 protein function with a positive predictive value of 95%. This variant disrupts the triple helix domain of COL1A2. Glycine residues within the Gly-Xaa-Yaa repeats of the triple helix domain are required for the structure and stability of fibrillar collagens (PMID: 7695699, 8218237, 19344236). In COL1A2, variants affecting these glycine residues are significantly enriched in individuals with disease (PMID: 9016532, 17078022) compared to the general population (ExAC). This variant disrupts the p.Gly769 amino acid residue in COL1A2. Other variant(s) that disrupt this residue have been observed in individuals with COL1A2-related conditions (PMID: 27509835, 30715774), which suggests that this may be a clinically significant amino acid residue. For these reasons, this variant has been classified as Pathogenic.

Literature cited by the submitters: PubMed 7695699; PubMed 8218237; PubMed 19344236; PubMed 9016532; PubMed 17078022; PubMed 27509835; PubMed 30715774.